The following is an entry in ClinVar:

NM_052850.4(GADD45GIP1):c.380A>G (p.Lys127Arg)

Gene: GADD45GIP1 (GADD45G interacting protein 1; minus strand). Cytogenetic location: 19p13.13.
Variant type: single nucleotide variant.
Coding change: c.380A>G on transcript NM_052850.4 (MANE Select); coding-DNA position 380, A replaced by G.
Protein change: p.Lys127Arg; replaces lysine 127 with arginine.
Molecular consequence: missense variant.
Genome position (GRCh38, 1-based): chr19:12,954,497, T>C on the plus strand (A>G on the coding strand, the complement: GADD45GIP1 is on the minus strand). VCF-style: chr19-12954497-T-C. GRCh37 (hg19) VCF-style: chr19-13065311-T-C.
Other names: short protein forms K127R.
Identifiers: ClinVar variation 2649361 (VCV002649361.24), dbSNP rs149233851, ClinGen allele CA9236581.

ClinVar aggregate classification (germline): Likely benign (1 of 4 stars; one submission).

Allele frequency attached by ClinVar (database versions not stated): 1000 Genomes Project 0.00080; 1000 Genomes Project 30x 0.00109; ESP Exome Variant Server 0.00185; TOPMed 0.00201; gnomAD 0.00208; ExAC 0.00223; gnomAD exomes 0.00273.
gnomAD v4.1: 4,298 of 1,614,026 alleles (0.27%); highest among the groups gnomAD compares: Non-Finnish European, 0.32%; 9 homozygotes.

Submission:

CeGaT Center for Human Genetics Tuebingen
Classification: Likely benign. Last evaluated: 2025-03-01. Review status: criteria provided, single submitter. Criteria: CeGaT Center For Human Genetics Tuebingen Variant Classification Criteria Version 2. Collection method: clinical testing. Allele origin: germline. Affected: yes. Observed: 2 variant alleles.
Comment: GADD45GIP1: BP4